The following is an entry in ClinVar:

ClinVar aggregate classification (germline): Conflicting classifications of pathogenicity. Review status: criteria provided, conflicting classifications (1 of 4 stars). 5 submissions from 5 submitters: Uncertain significance (4); Likely benign (1). Last evaluated 2024-12-20.

Conditions:
Cardiomyopathy (CMYO). Also called: Cardiomyopathies. Identifiers: Orphanet 167848, MedGen C0878544, MONDO:0004994, HP:0001638. Inheritance: Various modes of inheritance.
Arrhythmogenic right ventricular dysplasia 8 (ARVD8). Also called: ARRHYTHMOGENIC RIGHT VENTRICULAR DYSPLASIA, FAMILIAL, 8; ARRHYTHMOGENIC RIGHT VENTRICULAR CARDIOMYOPATHY 8; Arrhythmogenic Right Ventricular Dysplasia/Cardiomyopathy 8. Identifiers: MedGen C1843896, MONDO:0011831, OMIM 607450.
Arrhythmogenic cardiomyopathy with wooly hair and keratoderma. Also called: Carvajal syndrome; Dilated cardiomyopathy with woolly hair and keratoderma; PALMOPLANTAR KERATODERMA WITH LEFT VENTRICULAR CARDIOMYOPATHY AND WOOLLY HAIR; Arrhythmogenic cardiomyopathy with woolly hair and keratoderma. Identifiers: Orphanet 65282, MedGen C1854063, MONDO:0011581, OMIM 605676.
Cardiovascular phenotype. Identifiers: MedGen CN230736.

Allele frequency attached by ClinVar (database versions not stated): ExAC 0.00001; gnomAD exomes 0.00001 and 0.00002; TOPMed 0.00001.
gnomAD v4.1: 5 of 1,614,122 alleles (0.00031%); highest among the groups gnomAD compares: Admixed American, 0.0067%; no homozygotes.

Submissions (5):

Women's Health and Genetics/Laboratory Corporation of America, LabCorp
Classification: Uncertain significance. Last evaluated: 2024-12-20. Review status: criteria provided, single submitter. Criteria: LabCorp Variant Classification Summary - May 2015. Collection method: clinical testing. Allele origin: germline.

Labcorp Genetics (formerly Invitae), Labcorp
Classification: Likely benign for Arrhythmogenic cardiomyopathy with wooly hair and keratoderma; Arrhythmogenic right ventricular dysplasia 8. Last evaluated: 2024-08-11. Review status: criteria provided, single submitter. Criteria: Invitae Variant Classification Sherloc (09022015). Collection method: clinical testing. Allele origin: germline.

All of Us Research Program, National Institutes of Health
Classification: Uncertain significance for Arrhythmogenic cardiomyopathy with wooly hair and keratoderma. Last evaluated: 2024-08-06. Review status: criteria provided, single submitter. Criteria: ACMG Guidelines, 2015. Collection method: clinical testing. Allele origin: germline. Inheritance: Autosomal dominant inheritance. Observed: 2 variant alleles, 2 heterozygotes.
Comment: This missense variant replaces valine with methionine at codon 508 of the DSP protein. Computational prediction is inconclusive regarding the impact of this variant on protein structure and function (internally defined REVEL score threshold 0.5 < inconclusive < 0.7, PMID: 27666373). To our knowledge, functional studies have not been reported for this variant. This variant has not been reported in individuals affected with DSP-related disorders in the literature. This variant has been identified in 5/251446 chromosomes in the general population by the Genome Aggregation Database (gnomAD). The available evidence is insufficient to determine the role of this variant in disease conclusively. Therefore, this variant is classified as a Variant of Uncertain Significance.

This study involves interpretation of variants in research participants for the purpose of population health screening. Participant phenotype was not available at the time of variant classification. Additional details can be found in publication PMID: 35346344, PMCID: PMC8962531

Color Diagnostics, LLC DBA Color Health
Classification: Uncertain significance for Cardiomyopathy. Last evaluated: 2024-03-06. Review status: criteria provided, single submitter. Criteria: ACMG Guidelines, 2015. Collection method: clinical testing. Allele origin: germline.
Comment: This missense variant replaces valine with methionine at codon 508 of the DSP protein. Computational prediction is inconclusive regarding the impact of this variant on protein structure and function. To our knowledge, functional studies have not been reported for this variant. This variant has not been reported in individuals affected with DSP-related disorders in the literature. This variant has been identified in 5/251446 chromosomes in the general population by the Genome Aggregation Database (gnomAD). The available evidence is insufficient to determine the role of this variant in disease conclusively. Therefore, this variant is classified as a Variant of Uncertain Significance.

Ambry Genetics
Classification: Uncertain significance for Cardiovascular phenotype. Last evaluated: 2023-07-21. Review status: criteria provided, single submitter. Criteria: Ambry Variant Classification Scheme 2023. Collection method: clinical testing. Allele origin: germline.
Comment: The p.V508M variant (also known as c.1522G>A), located in coding exon 12 of the DSP gene, results from a G to A substitution at nucleotide position 1522. The valine at codon 508 is replaced by methionine, an amino acid with highly similar properties. This amino acid position is conserved. In addition, this alteration is predicted to be deleterious by in silico analysis. Since supporting evidence is limited at this time, the clinical significance of this alteration remains unclear.

NM_004415.4(DSP):c.1522G>A (p.Val508Met)

Gene: DSP (desmoplakin; plus strand). Cytogenetic location: 6p24.3.
Variant type: single nucleotide variant.
Coding change: c.1522G>A on transcript NM_004415.4 (MANE Select); coding-DNA position 1522, G replaced by A.
Protein change: p.Val508Met; replaces valine 508 with methionine.
Molecular consequence: missense variant.
Genome position (GRCh38, 1-based): chr6:7,569,288, G>A. VCF-style: chr6-7569288-G-A. GRCh37 (hg19) VCF-style: chr6-7569521-G-A.
Other names: c.1522G>A, p.Val508Met (NM_001008844.3, NM_001319034.2); short protein forms V508M.
Identifiers: ClinVar variation 938121 (VCV000938121.16), dbSNP rs751537483, ClinGen allele CA028597.